The following is an entry in ClinVar:

NM_007348.4(ATF6):c.1416C>T (p.Asn472=)

Gene: ATF6 (activating transcription factor 6; plus strand). Cytogenetic location: 1q23.3.
Variant type: single nucleotide variant.
Coding change: c.1416C>T on transcript NM_007348.4 (MANE Select); coding-DNA position 1416, C replaced by T.
Protein change: p.Asn472=; no amino-acid change (asparagine 472 retained).
Molecular consequence: synonymous variant.
Genome position (GRCh38, 1-based): chr1:161,851,818, C>T. VCF-style: chr1-161851818-C-T. GRCh37 (hg19) VCF-style: chr1-161821608-C-T.
Identifiers: ClinVar variation 726044 (VCV000726044.25), dbSNP rs1135984, ClinGen allele CA1214459.

ClinVar aggregate classification (germline): Benign/Likely benign. Review status: criteria provided, multiple submitters, no conflicts (2 of 4 stars). 4 submissions from 4 submitters: Benign (2); Likely benign (2). Last evaluated 2026-01-27.

Allele frequency attached by ClinVar (database versions not stated): gnomAD exomes 0.00040 and 0.00083; ExAC 0.00105; 1000 Genomes Project 30x 0.00281; gnomAD 0.00291 and 0.00310; TOPMed 0.00316; 1000 Genomes Project 0.00319; ESP Exome Variant Server 0.00323.
gnomAD v4.1: 1,073 of 1,612,814 alleles (0.067%); highest among the groups gnomAD compares: African/African-American, 1.1%; 8 homozygotes.

Submissions (4):

Labcorp Genetics (formerly Invitae), Labcorp
Classification: Benign. Last evaluated: 2026-01-27. Review status: criteria provided, single submitter. Criteria: Invitae Variant Classification Sherloc (09022015). Collection method: clinical testing. Allele origin: germline.

Blueprint Genetics
Classification: Likely benign. Last evaluated: 2024-11-25. Review status: criteria provided, single submitter. Criteria: ACMG Guidelines, 2015. Collection method: clinical testing. Allele origin: germline.

CeGaT Center for Human Genetics Tuebingen
Classification: Likely benign. Last evaluated: 2024-09-01. Review status: criteria provided, single submitter. Criteria: CeGaT Center For Human Genetics Tuebingen Variant Classification Criteria Version 2. Collection method: clinical testing. Allele origin: germline. Affected: yes. Observed: 1 variant allele.
Comment: ATF6: BP4, BP7, BS1

Breakthrough Genomics
Classification: Benign. Review status: criteria provided, single submitter. Criteria: ACMG Guidelines, 2015. Collection method: not provided. Allele origin: germline. Inheritance: Autosomal recessive inheritance. Affected: yes.